The following is an entry in ClinVar:

ClinVar aggregate classification (germline): Likely benign (0 of 4 stars; one submission).

Conditions:
SDK2-related disorder. Also called: SDK2-related condition.

Allele frequency attached by ClinVar (database versions not stated): gnomAD exomes 0.00021; ExAC 0.00082; ESP Exome Variant Server 0.00140; 1000 Genomes Project 30x 0.00141; gnomAD 0.00171; 1000 Genomes Project 0.00180; TOPMed 0.00203.
gnomAD v4.1: 555 of 1,555,126 alleles (0.036%); highest among the groups gnomAD compares: African/African-American, 0.64%; 2 homozygotes.

Submission:

PreventionGenetics, part of Exact Sciences
Classification: Likely benign for SDK2-related condition. Last evaluated: 2019-10-28. Review status: no assertion criteria provided. Collection method: clinical testing. Allele origin: germline.
Comment: This variant is classified as likely benign based on ACMG/AMP sequence variant interpretation guidelines (Richards et al. 2015 PMID: 25741868, with internal and published modifications).

NM_001144952.2(SDK2):c.4908G>A (p.Thr1636=)

Gene: SDK2 (sidekick cell adhesion molecule 2; minus strand). Cytogenetic location: 17q25.1.
Variant type: single nucleotide variant.
Coding change: c.4908G>A on transcript NM_001144952.2 (MANE Select); coding-DNA position 4908, G replaced by A.
Protein change: p.Thr1636=; no amino-acid change (threonine 1636 retained).
Molecular consequence: synonymous variant.
Genome position (GRCh38, 1-based): chr17:73,379,249, C>T on the plus strand (G>A on the coding strand, the complement: SDK2 is on the minus strand). VCF-style: chr17-73379249-C-T. GRCh37 (hg19) VCF-style: chr17-71375388-C-T.
Identifiers: ClinVar variation 3045098 (VCV003045098.2), dbSNP rs139388742, ClinGen allele CA8742571.